The following is an entry in ClinVar:

NM_001008212.2(OPTN):c.313G>T (p.Glu105Ter)

Genes: OPTN (optineurin; plus strand), LOC108903148 (10p13 OPTN distal Alu-mediated recombination region; plus strand). Cytogenetic location: 10p13.
Variant type: single nucleotide variant.
Coding change: c.313G>T on transcript NM_001008212.2 (MANE Select); coding-DNA position 313, G replaced by T.
Protein change: p.Glu105Ter; replaces glutamic acid 105 with a stop codon.
Molecular consequence: nonsense.
Genome position (GRCh38, 1-based): chr10:13,110,420, G>T. VCF-style: chr10-13110420-G-T. GRCh37 (hg19) VCF-style: chr10-13152420-G-T.
Other names: c.313G>T, p.Glu105Ter (NM_001008211.1, NM_001008213.1, NM_021980.4); short protein forms E105*.
Identifiers: ClinVar variation 3777995 (VCV003777995.7).
Genomic context (GRCh38, chr10:13,110,420, plus strand): 5'-TTTTTTGAGATACAGAGCAAAGAAGCAAAAGAGCGTCTAATGGCCTTGAGTCATGAGAAT[G>T]AGAAATTGAAGGAAGAGCTTGGAAAACTAAAAGGGAAATCAGAAAGGTCATCTGAGGTGA-3'

ClinVar aggregate classification (germline): Pathogenic (1 of 4 stars; one submission).

Submission:

CeGaT Center for Human Genetics Tuebingen
Classification: Pathogenic. Last evaluated: 2025-03-01. Review status: criteria provided, single submitter. Criteria: CeGaT Center For Human Genetics Tuebingen Variant Classification Criteria Version 2. Collection method: clinical testing. Allele origin: germline. Affected: yes. Observed: 1 variant allele.
Comment: OPTN: PVS1, PM2